The following is an entry in ClinVar:

NM_001134363.3(RBM20):c.502G>A (p.Ala168Thr)

Gene: RBM20 (RNA binding motif protein 20; plus strand). Cytogenetic location: 10q25.2.
Variant type: single nucleotide variant.
Coding change: c.502G>A on transcript NM_001134363.3 (MANE Select); coding-DNA position 502, G replaced by A.
Protein change: p.Ala168Thr; replaces alanine 168 with threonine.
Molecular consequence: missense variant.
Genome position (GRCh38, 1-based): chr10:110,781,111, G>A. VCF-style: chr10-110781111-G-A. GRCh37 (hg19) VCF-style: chr10-112540869-G-A.
Other names: short protein forms A168T.
Identifiers: ClinVar variation 2168398 (VCV002168398.5), dbSNP rs2493410265, ClinGen allele CA378380796.

ClinVar aggregate classification (germline): Uncertain significance. Review status: criteria provided, multiple submitters, no conflicts (2 of 4 stars). 2 submissions from 2 submitters: Uncertain significance (2). Last evaluated 2025-05-02.

Conditions:
Cardiovascular phenotype. Identifiers: MedGen CN230736.
Dilated cardiomyopathy 1DD (CMD1DD). Identifiers: Orphanet 154, MedGen C2750995, MONDO:0013168, OMIM 613172.

Allele frequency attached by ClinVar (database versions not stated): gnomAD exomes below 0.00001.
gnomAD v4.1: 1 of 1,551,846 alleles (0.000064%); highest among the groups gnomAD compares: Admixed American, 0.002%; no homozygotes.

Submissions (2):

Ambry Genetics
Classification: Uncertain significance for Cardiovascular phenotype. Last evaluated: 2025-05-02. Review status: criteria provided, single submitter. Criteria: Ambry Variant Classification Scheme 2023. Collection method: clinical testing. Allele origin: germline.
Comment: The p.A168T variant (also known as c.502G>A), located in coding exon 2 of the RBM20 gene, results from a G to A substitution at nucleotide position 502. The alanine at codon 168 is replaced by threonine, an amino acid with similar properties. This amino acid position is conserved. In addition, this alteration is predicted to be tolerated by in silico analysis. Based on the available evidence, the clinical significance of this variant remains unclear.

Labcorp Genetics (formerly Invitae), Labcorp
Classification: Uncertain significance for Dilated cardiomyopathy 1DD. Last evaluated: 2024-07-30. Review status: criteria provided, single submitter. Criteria: Invitae Variant Classification Sherloc (09022015). Collection method: clinical testing. Allele origin: germline.
Comment: This sequence change replaces alanine, which is neutral and non-polar, with threonine, which is neutral and polar, at codon 168 of the RBM20 protein (p.Ala168Thr). This variant is not present in population databases (gnomAD no frequency). This variant has not been reported in the literature in individuals affected with RBM20-related conditions. ClinVar contains an entry for this variant (Variation ID: 2168398). Advanced modeling of protein sequence and biophysical properties (such as structural, functional, and spatial information, amino acid conservation, physicochemical variation, residue mobility, and thermodynamic stability) performed at Invitae indicates that this missense variant is not expected to disrupt RBM20 protein function with a negative predictive value of 95%. In summary, the available evidence is currently insufficient to determine the role of this variant in disease. Therefore, it has been classified as a Variant of Uncertain Significance.